The following is an entry in ClinVar:

ClinVar aggregate classification (germline): Pathogenic (1 of 4 stars; one submission).

Submission:

Labcorp Genetics (formerly Invitae), Labcorp
Classification: Pathogenic. Last evaluated: 2023-01-24. Review status: criteria provided, single submitter. Criteria: Invitae Variant Classification Sherloc (09022015). Collection method: clinical testing. Allele origin: germline.
Comment: For these reasons, this variant has been classified as Pathogenic. This variant has not been reported in the literature in individuals affected with PRDM5-related conditions. This variant is not present in population databases (gnomAD no frequency). This sequence change creates a premature translational stop signal (p.Phe432Serfs*16) in the PRDM5 gene. It is expected to result in an absent or disrupted protein product. Loss-of-function variants in PRDM5 are known to be pathogenic (PMID: 21664999, 26395458).

Literature cited by the submitters: PubMed 21664999; PubMed 26395458.

NM_018699.4(PRDM5):c.1295del (p.Phe432fs)

Gene: PRDM5 (PR/SET domain 5; minus strand). Cytogenetic location: 4q27.
Variant type: Deletion.
Coding change: c.1295del on transcript NM_018699.4 (MANE Select); coding-DNA position 1295, one base deleted (T; older notation c.1295delT).
Protein change: p.Phe432fs; shifts the reading frame from phenylalanine 432.
Molecular consequence: frameshift variant.
Genome position (GRCh38, 1-based): chr4:120,781,291, A deleted on the plus strand (T on the coding strand, the reverse complement: PRDM5 is on the minus strand); the first of 3 consecutive A bases (chr4:120,781,291-120,781,293); deleting any one gives the same sequence. VCF-style (leftmost placement, unchanged base first): chr4-120781290-GA-G. GRCh37 (hg19) VCF-style: chr4-121702445-GA-G.
Other names: c.1202del, p.Phe401fs (NM_001300823.2, NM_001300824.2, NM_001379106.1); c.1328del, p.Phe443fs (NM_001379104.1); short protein forms F401fs, F432fs, F443fs.
Identifiers: ClinVar variation 2831472 (VCV002831472.3), dbSNP rs2477154326, ClinGen allele CA2515724247.
Genomic context (GRCh38, chr4:120,781,290, plus strand): 5'-CTGGACATGAACATTTAATGTATCCTTCCTCTTAAAGGTAGCATCGCAGTGATGGCACTT[GA>G]AAGTCCTCTCACCTTAGAAACAAAGAGAAACATTTAAGAAGCAATAGCAGGGTCCTATTA-3'